The following is an entry in ClinVar:

NM_015271.5(TRIM2):c.2303G>A (p.Arg768Gln)

Gene: TRIM2 (tripartite motif containing 2; plus strand). Cytogenetic location: 4q31.3.
Variant type: single nucleotide variant.
Coding change: c.2303G>A on transcript NM_015271.5 (MANE Select); coding-DNA position 2303, G replaced by A.
Protein change: p.Arg768Gln; replaces arginine 768 with glutamine.
Molecular consequence: missense variant.
Genome position (GRCh38, 1-based): chr4:153,334,953, G>A. VCF-style: chr4-153334953-G-A. GRCh37 (hg19) VCF-style: chr4-154256105-G-A.
Other names: c.2222G>A, p.Arg741Gln (NM_001130067.2, NM_001375512.1, NM_001375513.1 and 4 more transcripts); c.2288G>A, p.Arg763Gln (NM_001351054.2); c.2285G>A, p.Arg762Gln (NM_001351055.2); c.2234G>A, p.Arg745Gln (NM_001351056.2); c.1847G>A, p.Arg616Gln (NM_001351057.2); c.2396G>A, p.Arg799Gln (NM_001375488.1); c.2393G>A, p.Arg798Gln (NM_001375489.1); c.2246G>A, p.Arg749Gln (NM_001375490.1); and 4 more; short protein forms R656Q, R741Q, R748Q, R749Q, R763Q, R798Q, R655Q, R745Q.
Identifiers: ClinVar variation 2743862 (VCV002743862.3), dbSNP rs1017666248, ClinGen allele CA358471812.

ClinVar aggregate classification (germline): Uncertain significance (1 of 4 stars; one submission).

Conditions:
Charcot-Marie-Tooth disease type 2R. Also called: CHARCOT-MARIE-TOOTH DISEASE, AXONAL, AUTOSOMAL RECESSIVE, TYPE 2R; Charcot-Marie-Tooth disease, axonal, type 2R; CHARCOT-MARIE-TOOTH NEUROPATHY, TYPE 2R. Identifiers: Orphanet 397968, MedGen C3809655, MONDO:0014208, OMIM 615490.

Allele frequency attached by ClinVar (database versions not stated): gnomAD exomes below 0.00001.
gnomAD v4.1: 5 of 1,613,186 alleles (0.00031%); highest among the groups gnomAD compares: Non-Finnish European, 0.00042%; no homozygotes.

Submission:

Labcorp Genetics (formerly Invitae), Labcorp
Classification: Uncertain significance for Charcot-Marie-Tooth disease type 2R. Last evaluated: 2023-09-03. Review status: criteria provided, single submitter. Criteria: Invitae Variant Classification Sherloc (09022015). Collection method: clinical testing. Allele origin: germline.
Comment: This variant has not been reported in the literature in individuals affected with TRIM2-related conditions. In summary, the available evidence is currently insufficient to determine the role of this variant in disease. Therefore, it has been classified as a Variant of Uncertain Significance. An algorithm developed to predict the effect of missense changes on protein structure and function (PolyPhen-2) suggests that this variant is likely to be tolerated. This variant is not present in population databases (gnomAD no frequency). This sequence change replaces arginine, which is basic and polar, with glutamine, which is neutral and polar, at codon 741 of the TRIM2 protein (p.Arg741Gln).